The following is an entry in ClinVar:

ClinVar aggregate classification (germline): Conflicting classifications of pathogenicity. Review status: criteria provided, conflicting classifications (1 of 4 stars). 3 submissions from 3 submitters: Uncertain significance (1); Likely benign (2). Last evaluated 2024-07-19.

Conditions:
Inborn genetic diseases. Identifiers: MedGen C0950123, MeSH D030342.

Allele frequency attached by ClinVar (database versions not stated): TOPMed 0.00008; gnomAD 0.00009; 1000 Genomes Project 0.00060; 1000 Genomes Project 30x 0.00062.
gnomAD v4.1: 169 of 1,612,722 alleles (0.01%); highest among the groups gnomAD compares: East Asian, 0.29%; no homozygotes.

Submissions (3):

GeneDx
Classification: Uncertain significance. Last evaluated: 2024-07-19. Review status: criteria provided, single submitter. Criteria: GeneDx Variant Classification Process June 2021. Collection method: clinical testing. Allele origin: germline.
Comment: In silico analysis indicates that this missense variant does not alter protein structure/function; Has not been previously published as pathogenic or benign to our knowledge

Ambry Genetics
Classification: Likely benign for Inborn genetic diseases. Last evaluated: 2024-04-08. Review status: criteria provided, single submitter. Criteria: Ambry Variant Classification Scheme 2023. Collection method: clinical testing. Allele origin: germline.

Blueprint Genetics
Classification: Likely benign. Last evaluated: 2024-03-19. Review status: criteria provided, single submitter. Criteria: ACMG Guidelines, 2015. Collection method: clinical testing. Allele origin: germline.

NM_001372.4(DNAH9):c.1517C>T (p.Thr506Met)

Gene: DNAH9 (dynein axonemal heavy chain 9; plus strand). Cytogenetic location: 17p12.
Variant type: single nucleotide variant.
Coding change: c.1517C>T on transcript NM_001372.4 (MANE Select); coding-DNA position 1517, C replaced by T.
Protein change: p.Thr506Met; replaces threonine 506 with methionine.
Molecular consequence: missense variant.
Genome position (GRCh38, 1-based): chr17:11,629,583, C>T. VCF-style: chr17-11629583-C-T. GRCh37 (hg19) VCF-style: chr17-11532900-C-T.
Other names: short protein forms T506M.
Identifiers: ClinVar variation 3252782 (VCV003252782.3), dbSNP rs141702885.